The following is an entry in ClinVar:

NM_001845.6(COL4A1):c.2955G>C (p.Gln985His)

Gene: COL4A1 (collagen type IV alpha 1 chain; minus strand). Cytogenetic location: 13q34.
Variant type: single nucleotide variant.
Coding change: c.2955G>C on transcript NM_001845.6 (MANE Select); coding-DNA position 2955, G replaced by C.
Protein change: p.Gln985His; replaces glutamine 985 with histidine.
Molecular consequence: missense variant.
Genome position (GRCh38, 1-based): chr13:110,176,639, C>G on the plus strand (G>C on the coding strand, the complement: COL4A1 is on the minus strand). VCF-style: chr13-110176639-C-G. GRCh37 (hg19) VCF-style: chr13-110828986-C-G.
Other names: short protein forms Q985H.
Identifiers: ClinVar variation 311047 (VCV000311047.44), dbSNP rs145018661, ClinGen allele CA7047448.

ClinVar aggregate classification (germline): Benign/Likely benign. Review status: criteria provided, multiple submitters, no conflicts (2 of 4 stars). 7 submissions from 6 submitters: Benign (4); Likely benign (2). 1 of the submissions does not count toward it. Last evaluated 2026-01-02.

Conditions:
COL4A1-related disorder. Also called: COL4A1-related condition; COL4A1-related disorders. Identifiers: MedGen CN376119, MONDO:0800461.
Autosomal dominant familial hematuria-retinal arteriolar tortuosity-contractures syndrome. Also called: Hereditary Angiopathy with Nephropathy, Aneurysms, and Muscle Cramps (HANAC) Syndrome; Angiopathy, hereditary, with nephropathy, aneurysms, and muscle cramps. Identifiers: Orphanet 73229, MedGen C2673195, MONDO:0012726, OMIM 611773.
Brain small vessel disease 1 with or without ocular anomalies (BSVD1). Also called: BRAIN SMALL VESSEL DISEASE WITH HEMORRHAGE; PORENCEPHALY, TYPE 1, AUTOSOMAL DOMINANT; GOULD SYNDROME 1; Brain small vessel disease with or without ocular anomalies. Identifiers: Orphanet 2940, Orphanet 36383, Orphanet 99810, MedGen C4755307, MONDO:0008289, OMIM 175780.

Allele frequency attached by ClinVar (database versions not stated): gnomAD 0.00009 and 0.00028; TOPMed 0.00010; gnomAD exomes 0.00040 and 0.00047; ExAC 0.00053; 1000 Genomes Project 30x 0.00094; 1000 Genomes Project 0.00120.
gnomAD v4.1: 711 of 1,614,136 alleles (0.044%); highest among the groups gnomAD compares: East Asian, 1.6%; 8 homozygotes.

Submissions (7):

Labcorp Genetics (formerly Invitae), Labcorp
Classification: Benign. Last evaluated: 2026-01-02. Review status: criteria provided, single submitter. Criteria: Invitae Variant Classification Sherloc (09022015). Collection method: clinical testing. Allele origin: germline.

ARUP Laboratories, Molecular Genetics and Genomics, ARUP Laboratories
Classification: Likely benign. Last evaluated: 2025-07-15. Review status: criteria provided, single submitter. Criteria: ARUP Molecular Germline Variant Investigation Process 2024. Collection method: clinical testing. Allele origin: germline.

Blueprint Genetics
Classification: Likely benign. Last evaluated: 2024-07-19. Review status: criteria provided, single submitter. Criteria: ACMG Guidelines, 2015. Collection method: clinical testing. Allele origin: germline.

CeGaT Center for Human Genetics Tuebingen
Classification: Benign. Last evaluated: 2022-05-01. Review status: criteria provided, single submitter. Criteria: CeGaT Center For Human Genetics Tuebingen Variant Classification Criteria Version 2. Collection method: clinical testing. Allele origin: germline. Affected: yes. Observed: 1 variant allele.
Comment: COL4A1: BS1, BS2

Illumina Laboratory Services, Illumina
Classification: Benign for Brain small vessel disease 1 with or without ocular anomalies. Last evaluated: 2018-01-13. Review status: criteria provided, single submitter. Criteria: ICSL Variant Classification Criteria 13 December 2019. Collection method: clinical testing. Allele origin: germline.
Comment: This variant was observed in the ICSL laboratory as part of a predisposition screen in an ostensibly healthy population. It had not been previously curated by ICSL or reported in the Human Gene Mutation Database (HGMD: prior to June 1st, 2018), and was therefore a candidate for classification through an automated scoring system. Utilizing variant allele frequency, disease prevalence and penetrance estimates, and inheritance mode, an automated score was calculated to assess if this variant is too frequent to cause the disease. Based on the score and internal cut-off values, a variant classified as benign is not then subjected to further curation. The score for this variant resulted in a classification of benign for this disease.

Illumina Laboratory Services, Illumina
Classification: Benign for Autosomal dominant familial hematuria-retinal arteriolar tortuosity-contractures syndrome. Last evaluated: 2018-01-13. Review status: criteria provided, single submitter. Criteria: ICSL Variant Classification Criteria 13 December 2019. Collection method: clinical testing. Allele origin: germline.
Comment: the same text as in the submission from Illumina Laboratory Services, Illumina above.

PreventionGenetics, part of Exact Sciences
Classification: Benign for COL4A1-related condition. Last evaluated: 2019-05-30. Review status: no assertion criteria provided. Collection method: clinical testing. Allele origin: germline. Not counted in ClinVar's aggregate classification.
Comment: This variant is classified as benign based on ACMG/AMP sequence variant interpretation guidelines (Richards et al. 2015 PMID: 25741868, with internal and published modifications).